The following is an entry in ClinVar:

NM_005422.4(TECTA):c.1513G>C (p.Asp505His)

Genes: TECTA (tectorin alpha; plus strand), TBCEL-TECTA (TBCEL-TECTA readthrough; plus strand). Cytogenetic location: 11q23.3.
Variant type: single nucleotide variant.
Coding change: c.1513G>C on transcript NM_005422.4 (MANE Select); coding-DNA position 1513, G replaced by C.
Protein change: p.Asp505His; replaces aspartic acid 505 with histidine.
Molecular consequence: missense variant.
Genome position (GRCh38, 1-based): chr11:121,125,611, G>C. VCF-style: chr11-121125611-G-C. GRCh37 (hg19) VCF-style: chr11-120996320-G-C.
Other names: c.2470G>C, p.Asp824His (NM_001378761.1); short protein forms D505H, D824H.
Identifiers: ClinVar variation 3381948 (VCV003381948.2).

ClinVar aggregate classification (germline): Uncertain significance (1 of 4 stars; one submission).

Conditions:
Autosomal dominant nonsyndromic hearing loss 12. Also called: DEAFNESS, AUTOSOMAL DOMINANT 8. Identifiers: Orphanet 90635, MedGen C1832187, MONDO:0011102, OMIM 601543.
Autosomal recessive nonsyndromic hearing loss 21. Identifiers: Orphanet 90636, MedGen C1863655, MONDO:0011351, OMIM 603629.

Submission:

Juno Genomics, Hangzhou Juno Genomics, Inc
Classification: Uncertain significance for Autosomal dominant nonsyndromic hearing loss 12; Autosomal recessive nonsyndromic hearing loss 21. Review status: criteria provided, single submitter. Criteria: ACMG Guidelines, 2015. Collection method: clinical testing. Allele origin: germline. Affected: yes.
Comment: Absent from controls (or at extremely low frequency if recessive) in Genome Aggregation Database, Exome Sequencing Project, 1000 Genomes Project, or Exome Aggregation Consortium.;Multiple lines of computational evidence suggest no impact on gene or gene product (conservation, evolutionary, splicing impact, etc).